The following is an entry in ClinVar:

NM_001005361.3(DNM2):c.1423-12G>A

Gene: DNM2 (dynamin 2; plus strand). Cytogenetic location: 19p13.2.
Variant type: single nucleotide variant.
Coding change: c.1423-12G>A on transcript NM_001005361.3 (MANE Select); 12 bases into the intron before coding-DNA position 1423, G replaced by A.
Molecular consequence: intron variant.
Genome position (GRCh38, 1-based): chr19:10,802,276, G>A. VCF-style: chr19-10802276-G-A. GRCh37 (hg19) VCF-style: chr19-10912952-G-A.
Other names: c.1423-12G>A (NM_001005360.3, NM_001190716.2, NM_004945.4 and 1 more transcripts).
Identifiers: ClinVar variation 327981 (VCV000327981.13), dbSNP rs376753915, ClinGen allele CA9201159.

ClinVar aggregate classification (germline): Benign/Likely benign. Review status: criteria provided, multiple submitters, no conflicts (2 of 4 stars). 4 submissions from 3 submitters: Benign (2); Likely benign (2). Last evaluated 2026-01-26.

Conditions:
Charcot-Marie-Tooth disease dominant intermediate B (CMTDIB). Also called: CHARCOT-MARIE-TOOTH NEUROPATHY, DOMINANT INTERMEDIATE B; Charcot-Marie-Tooth disease dominant intermediate 1; CMT DI1; Charcot-Marie-Tooth disease dominant intermediate I. Identifiers: Orphanet 100044, Orphanet 228179, MedGen C1847902, MONDO:0011674, OMIM 606482.
Autosomal dominant centronuclear myopathy. Also called: MYOTUBULAR MYOPATHY, AUTOSOMAL DOMINANT; Myopathy, centronuclear, 3. Identifiers: Orphanet 169189, MedGen C4551952, MeSH D020914, MONDO:0008048, OMIM 160150.

Allele frequency attached by ClinVar (database versions not stated): ExAC 0.00011; gnomAD exomes 0.00012 and 0.00027; gnomAD 0.00013 and 0.00014; TOPMed 0.00015; 1000 Genomes Project 30x 0.00016; 1000 Genomes Project 0.00020; ESP Exome Variant Server 0.00023.
gnomAD v4.1: 421 of 1,614,020 alleles (0.026%); highest among the groups gnomAD compares: Non-Finnish European, 0.033%; 1 homozygote.

Submissions (4):

Labcorp Genetics (formerly Invitae), Labcorp
Classification: Likely benign for Charcot-Marie-Tooth disease dominant intermediate B. Last evaluated: 2026-01-26. Review status: criteria provided, single submitter. Criteria: Invitae Variant Classification Sherloc (09022015). Collection method: clinical testing. Allele origin: germline.

GeneDx
Classification: Likely benign. Last evaluated: 2019-01-11. Review status: criteria provided, single submitter. Criteria: GeneDx Variant Classification Process June 2021. Collection method: clinical testing. Allele origin: germline. Affected: yes.

Illumina Laboratory Services, Illumina
Classification: Benign for Charcot-Marie-Tooth disease dominant intermediate B. Last evaluated: 2018-01-13. Review status: criteria provided, single submitter. Criteria: ICSL Variant Classification Criteria 13 December 2019. Collection method: clinical testing. Allele origin: germline.
Comment: This variant was observed in the ICSL laboratory as part of a predisposition screen in an ostensibly healthy population. It had not been previously curated by ICSL or reported in the Human Gene Mutation Database (HGMD: prior to June 1st, 2018), and was therefore a candidate for classification through an automated scoring system. Utilizing variant allele frequency, disease prevalence and penetrance estimates, and inheritance mode, an automated score was calculated to assess if this variant is too frequent to cause the disease. Based on the score and internal cut-off values, a variant classified as benign is not then subjected to further curation. The score for this variant resulted in a classification of benign for this disease.

Illumina Laboratory Services, Illumina
Classification: Benign for Autosomal dominant centronuclear myopathy. Last evaluated: 2018-01-13. Review status: criteria provided, single submitter. Criteria: ICSL Variant Classification Criteria 13 December 2019. Collection method: clinical testing. Allele origin: germline.
Comment: the same text as in the submission from Illumina Laboratory Services, Illumina above.